The following is an entry in ClinVar:

NM_000016.6(ACADM):c.224del (p.Val75fs)

Gene: ACADM (acyl-CoA dehydrogenase medium chain; plus strand). Cytogenetic location: 1p31.1.
Variant type: Deletion.
Coding change: c.224del on transcript NM_000016.6 (MANE Select); coding-DNA position 224, one base deleted (T; older notation c.224delT).
Protein change: p.Val75fs; shifts the reading frame from valine 75.
Molecular consequence: frameshift variant. On other transcripts: 5 prime UTR variant (1).
Genome position (GRCh38, 1-based): chr1:75,732,860, T deleted. VCF-style (leftmost placement, unchanged base first): chr1-75732859-GT-G. GRCh37 (hg19) VCF-style: chr1-76198544-GT-G.
Other names: c.224delT (NM_000016.6); c.236del, p.Val79fs (NM_001127328.3); c.116del, p.Val39fs (NM_001286042.2); c.224del, p.Val75fs (NM_001286043.2); c.-162del (NM_001286044.2); short protein forms V79fs, V39fs, V75fs.
Identifiers: ClinVar variation 370428 (VCV000370428.13), dbSNP rs1057516480, ClinGen allele CA16040775.

ClinVar aggregate classification (germline): Pathogenic/Likely pathogenic. Review status: criteria provided, multiple submitters, no conflicts (2 of 4 stars). 6 submissions from 6 submitters: Pathogenic (2); Likely pathogenic (3). 1 of the submissions does not count toward it. Last evaluated 2026-06-11.

Conditions:
Medium-chain acyl-coenzyme A dehydrogenase deficiency (ACADMD). Also called: MCADD; MCAD Deficiency; ACADM DEFICIENCY; CARNITINE DEFICIENCY SECONDARY TO MEDIUM-CHAIN ACYL-CoA DEHYDROGENASE DEFICIENCY; MCADH DEFICIENCY; Medium chain acyl-CoA dehydrogenase deficiency. Identifiers: Orphanet 42, MedGen C0220710, MONDO:0008721, OMIM 201450.

Allele frequency attached by ClinVar (database versions not stated): TOPMed below 0.00001; gnomAD exomes below 0.00001.

Submissions (6):

Women's Health and Genetics/Laboratory Corporation of America, LabCorp
Classification: Pathogenic for Medium-chain acyl-coenzyme A dehydrogenase deficiency. Last evaluated: 2026-06-11. Review status: criteria provided, single submitter. Criteria: LabCorp Variant Classification Summary - May 2015. Collection method: clinical testing. Allele origin: germline.
Comment: Variant summary: ACADM c.224delT (p.Val75AlafsX3) results in a premature termination codon, predicted to cause a truncation of the encoded protein or absence of the protein due to nonsense mediated decay, which are commonly known mechanisms for disease. The variant was absent in 251056 control chromosomes. To our knowledge, no occurrence of c.224delT in individuals affected with ACADM-related conditions and no experimental evidence demonstrating its impact on protein function have been reported. ClinVar contains an entry for this variant (Variation ID: 370428). Based on the evidence outlined above, the variant was classified as pathogenic.

Natera, Inc.
Classification: Likely pathogenic for Medium Chain Acyl-CoA Dehydrogenase Deficiency. Last evaluated: 2025-10-05. Review status: criteria provided, single submitter. Criteria: Natera Variant Classification Schema (03/2026). Collection method: clinical testing. Allele origin: germline.
Comment: The c.224delT variant in ACADM is a frameshift variant predicted to shift the reading frame beginning at codon 75 and leads to a stop codon 3 codons downstream. This variant is expected to result in nonsense mediated decay, truncation, or a dysfunctional protein product. This variant is rare in the general population with a frequency below the threshold expected for the associated phenotype(s). Given the available evidence, this variant is classified as Likely Pathogenic.

Baylor Genetics
Classification: Likely pathogenic for Medium-chain acyl-coenzyme A dehydrogenase deficiency. Last evaluated: 2024-03-20. Review status: criteria provided, single submitter. Criteria: ACMG Guidelines, 2015. Collection method: clinical testing. Allele origin: unknown.

Labcorp Genetics (formerly Invitae), Labcorp
Classification: Pathogenic for Medium-chain acyl-coenzyme A dehydrogenase deficiency. Last evaluated: 2023-07-16. Review status: criteria provided, single submitter. Criteria: Invitae Variant Classification Sherloc (09022015). Collection method: clinical testing. Allele origin: germline.
Comment: For these reasons, this variant has been classified as Pathogenic. ClinVar contains an entry for this variant (Variation ID: 370428). This variant has not been reported in the literature in individuals affected with ACADM-related conditions. This variant is not present in population databases (gnomAD no frequency). This sequence change creates a premature translational stop signal (p.Val75Alafs*3) in the ACADM gene. It is expected to result in an absent or disrupted protein product. Loss-of-function variants in ACADM are known to be pathogenic (PMID: 16121256, 20434380).

Quest Diagnostics Nichols Institute San Juan Capistrano
Classification: Likely pathogenic. Last evaluated: 2018-02-09. Review status: criteria provided, single submitter. Criteria: Quest Diagnostics criteria. Collection method: clinical testing. Allele origin: germline.

Counsyl
Classification: Likely pathogenic for Medium-chain acyl-coenzyme A dehydrogenase deficiency. Last evaluated: 2016-02-09. Review status: no assertion criteria provided. Collection method: clinical testing. Allele origin: unknown. Not counted in ClinVar's aggregate classification.

Literature cited by the submitters: PubMed 16121256 (cited by Labcorp Genetics (formerly Invitae), Labcorp); PubMed 20434380 (cited by Labcorp Genetics (formerly Invitae), Labcorp).